The following is an entry in ClinVar:

NM_033124.5(DRC2):c.203T>C (p.Val68Ala)

Gene: DRC2 (dynein regulatory complex subunit 2; plus strand). Cytogenetic location: 12q13.12.
Variant type: single nucleotide variant.
Coding change: c.203T>C on transcript NM_033124.5 (MANE Select); coding-DNA position 203, T replaced by C.
Protein change: p.Val68Ala; replaces valine 68 with alanine.
Molecular consequence: missense variant. On other transcripts: 5 prime UTR variant (1).
Genome position (GRCh38, 1-based): chr12:48,905,016, T>C. VCF-style: chr12-48905016-T-C. GRCh37 (hg19) VCF-style: chr12-49298799-T-C.
Other names: c.-227T>C (NM_001286957.2); short protein forms V68A.
Identifiers: ClinVar variation 474636 (VCV000474636.37), dbSNP rs118060953, ClinGen allele CA6543178.
Genomic context (GRCh38, chr12:48,905,016, plus strand): 5'-CCAAGGAGGAACACAACAGTGCTCTGAACCTTAATAAGATTAACACACAGTGGAGAACTG[T>C]CCTTCGGGAAGTCAAGACCAGAGAACTTCATAAGGACATTGAGATCCTCAGCCAAACATT-3'
Protein context (NP_149115.2, residues 58-78): LNKINTQWRT[Val68Ala]LREVKTRELH

ClinVar aggregate classification (germline): Likely benign. Review status: criteria provided, multiple submitters, no conflicts (2 of 4 stars). 5 submissions from 5 submitters: Likely benign (4). 1 of the submissions does not count toward it. Last evaluated 2026-08-01.

Conditions:
CCDC65-related disorder. Also called: CCDC65-related condition.
Primary ciliary dyskinesia 27. Also called: CILIARY DYSKINESIA, PRIMARY, 27, WITHOUT SITUS INVERSUS. Identifiers: Orphanet 244, MedGen C3809701, MONDO:0014215, OMIM 615504.

Allele frequency attached by ClinVar (database versions not stated): 1000 Genomes Project 0.00060; 1000 Genomes Project 30x 0.00062; TOPMed 0.00118; gnomAD 0.00120 and 0.00129; gnomAD exomes 0.00125 and 0.00145; ESP Exome Variant Server 0.00131; ExAC 0.00141.
gnomAD v4.1: 2,310 of 1,614,042 alleles (0.14%); highest among the groups gnomAD compares: Non-Finnish European, 0.17%; 2 homozygotes.

Submissions (5):

CeGaT Center for Human Genetics Tuebingen
Classification: Likely benign. Last evaluated: 2026-08-01. Review status: criteria provided, single submitter. Criteria: CeGaT Center For Human Genetics Tuebingen Variant Classification Criteria Version 2. Collection method: clinical testing. Allele origin: germline. Affected: yes. Observed: 2 variant alleles.
Comment: DRC2: BP4

Labcorp Genetics (formerly Invitae), Labcorp
Classification: Likely benign for Primary ciliary dyskinesia 27. Last evaluated: 2026-01-16. Review status: criteria provided, single submitter. Criteria: Invitae Variant Classification Sherloc (09022015). Collection method: clinical testing. Allele origin: germline.

ARUP Laboratories, Molecular Genetics and Genomics, ARUP Laboratories
Classification: Likely benign for Primary ciliary dyskinesia 27. Last evaluated: 2025-05-07. Review status: criteria provided, single submitter. Criteria: ARUP Molecular Germline Variant Investigation Process 2024. Collection method: clinical testing. Allele origin: germline.

Blueprint Genetics
Classification: Likely benign. Last evaluated: 2024-11-25. Review status: criteria provided, single submitter. Criteria: ACMG Guidelines, 2015. Collection method: clinical testing. Allele origin: germline.

PreventionGenetics, part of Exact Sciences
Classification: Likely benign for CCDC65-related condition. Last evaluated: 2024-05-06. Review status: no assertion criteria provided. Collection method: clinical testing. Allele origin: germline. Not counted in ClinVar's aggregate classification.
Comment: This variant is classified as likely benign based on ACMG/AMP sequence variant interpretation guidelines (Richards et al. 2015 PMID: 25741868, with internal and published modifications).